The following is an entry in ClinVar:

NM_178140.4(PDZD2):c.3637A>G (p.Asn1213Asp)

Gene: PDZD2 (PDZ domain containing 2; plus strand). Cytogenetic location: 5p13.3.
Variant type: single nucleotide variant.
Coding change: c.3637A>G on transcript NM_178140.4 (MANE Select); coding-DNA position 3637, A replaced by G.
Protein change: p.Asn1213Asp; replaces asparagine 1213 with aspartic acid.
Molecular consequence: missense variant.
Genome position (GRCh38, 1-based): chr5:32,077,561, A>G. VCF-style: chr5-32077561-A-G. GRCh37 (hg19) VCF-style: chr5-32077667-A-G.
Other names: short protein forms N1213D.
Identifiers: ClinVar variation 3044770 (VCV003044770.2), dbSNP rs115749771, ClinGen allele CA3219532.

ClinVar aggregate classification (germline): Benign (0 of 4 stars; one submission).

Conditions:
PDZD2-related disorder. Also called: PDZD2-related condition.

Allele frequency attached by ClinVar (database versions not stated): ExAC 0.00159; gnomAD 0.00542; ESP Exome Variant Server 0.00546; TOPMed 0.00622; 1000 Genomes Project 0.00679; 1000 Genomes Project 30x 0.00687.
gnomAD v4.1: 1,677 of 1,614,158 alleles (0.1%); highest among the groups gnomAD compares: African/African-American, 1.8%; 11 homozygotes.

Submission:

PreventionGenetics, part of Exact Sciences
Classification: Benign for PDZD2-related condition. Last evaluated: 2019-02-19. Review status: no assertion criteria provided. Collection method: clinical testing. Allele origin: germline.
Comment: This variant is classified as benign based on ACMG/AMP sequence variant interpretation guidelines (Richards et al. 2015 PMID: 25741868, with internal and published modifications).